The following is an entry in ClinVar:

NM_000083.3(CLCN1):c.1699A>C (p.Asn567His)

Gene: CLCN1 (chloride voltage-gated channel 1; plus strand). Cytogenetic location: 7q34.
Variant type: single nucleotide variant.
Coding change: c.1699A>C on transcript NM_000083.3 (MANE Select); coding-DNA position 1699, A replaced by C.
Protein change: p.Asn567His; replaces asparagine 567 with histidine.
Molecular consequence: missense variant. On other transcripts: non-coding transcript variant (1).
Genome position (GRCh38, 1-based): chr7:143,342,045, A>C. VCF-style: chr7-143342045-A-C. GRCh37 (hg19) VCF-style: chr7-143039138-A-C.
Other names: short protein forms N567H.
Identifiers: ClinVar variation 2925427 (VCV002925427.3), dbSNP rs2487090418, ClinGen allele CA369646583.

ClinVar aggregate classification (germline): Likely pathogenic (1 of 4 stars; one submission).

Conditions:
Congenital myotonia, autosomal dominant form (THD). Also called: THOMSEN DISEASE; Myotonia congenita autosomal dominant. Identifiers: Orphanet 614, MedGen C2936781, MONDO:0008055, OMIM 160800.
Congenital myotonia, autosomal recessive form. Also called: BECKER DISEASE; Becker Generalized Myotonia; myotonia congenita, autosomal recessive. Identifiers: Orphanet 614, MedGen C0751360, MONDO:0009715, OMIM 255700.

Submission:

Labcorp Genetics (formerly Invitae), Labcorp
Classification: Likely pathogenic for Congenital myotonia, autosomal recessive form; Congenital myotonia, autosomal dominant form. Last evaluated: 2024-01-11. Review status: criteria provided, single submitter. Criteria: Invitae Variant Classification Sherloc (09022015). Collection method: clinical testing. Allele origin: germline.
Comment: This sequence change replaces asparagine, which is neutral and polar, with histidine, which is basic and polar, at codon 567 of the CLCN1 protein (p.Asn567His). This variant is not present in population databases (gnomAD no frequency). This missense change has been observed in individual(s) with autosomal recessive myotonia congenita (PMID: 23113340). In at least one individual the data is consistent with being in trans (on the opposite chromosome) from a pathogenic variant. Advanced modeling of protein sequence and biophysical properties (such as structural, functional, and spatial information, amino acid conservation, physicochemical variation, residue mobility, and thermodynamic stability) performed at Invitae indicates that this missense variant is expected to disrupt CLCN1 protein function with a positive predictive value of 95%. In summary, the currently available evidence indicates that the variant is pathogenic, but additional data are needed to prove that conclusively. Therefore, this variant has been classified as Likely Pathogenic.

Literature cited by the submitters: PubMed 23113340.